The following is an entry in ClinVar:

NM_178857.6(RP1L1):c.2664G>A (p.Pro888=)

Gene: RP1L1 (RP1 like 1). Cytogenetic location: 8p23.1.
Variant type: single nucleotide variant.
Coding change: c.2664G>A on transcript NM_178857.6 (MANE Select); coding-DNA position 2664, G replaced by A.
Protein change: p.Pro888=; no amino-acid change (proline 888 retained).
Molecular consequence: synonymous variant.
Genome position (GRCh38, 1-based): chr8:10,611,434, C>T on the plus strand (G>A on the coding strand, the complement: RP1L1 is on the minus strand). VCF-style: chr8-10611434-C-T. GRCh37 (hg19) VCF-style: chr8-10468944-C-T.
Identifiers: ClinVar variation 3352106 (VCV003352106.2).

ClinVar aggregate classification (germline): Likely benign. Review status: criteria provided, single submitter (1 of 4 stars). 2 submissions from 2 submitters: Likely benign (1). 1 of the submissions does not count toward it. Last evaluated 2023-12-04.

Conditions:
RP1L1-related disorder. Also called: RP1L1-related condition.

gnomAD v4.1: 130 of 1,576,524 alleles (0.0082%); highest among the groups gnomAD compares: South Asian, 0.05%; no homozygotes.

Submissions (2):

Blueprint Genetics
Classification: Likely benign. Last evaluated: 2023-12-04. Review status: criteria provided, single submitter. Criteria: ACMG Guidelines, 2015. Collection method: clinical testing. Allele origin: germline.

PreventionGenetics, part of Exact Sciences
Classification: Likely benign for RP1L1-related condition. Last evaluated: 2024-09-26. Review status: no assertion criteria provided. Collection method: clinical testing. Allele origin: germline. Not counted in ClinVar's aggregate classification.
Comment: This variant is classified as likely benign based on ACMG/AMP sequence variant interpretation guidelines (Richards et al. 2015 PMID: 25741868, with internal and published modifications).